The following is an entry in ClinVar:

ClinVar aggregate classification (germline): Conflicting classifications of pathogenicity. Review status: criteria provided, conflicting classifications (1 of 4 stars). 2 submissions from 2 submitters: Uncertain significance (1); Likely benign (1). Last evaluated 2024-11-22.

Conditions:
Congenital myopathy with internal nuclei and atypical cores. Also called: Myopathy, centronuclear, 4. Identifiers: Orphanet 319160, MedGen C4707232, MONDO:0013890, OMIM 614807.
Inborn genetic diseases. Identifiers: MedGen C0950123, MeSH D030342.

Allele frequency attached by ClinVar (database versions not stated): gnomAD 0.00001 and 0.00003; TOPMed 0.00002; ExAC 0.00004; gnomAD exomes 0.00004 and 0.00007; 1000 Genomes Project 30x 0.00031; 1000 Genomes Project 0.00040.

Submissions (2):

Labcorp Genetics (formerly Invitae), Labcorp
Classification: Uncertain significance for Congenital myopathy with internal nuclei and atypical cores. Last evaluated: 2024-11-22. Review status: criteria provided, single submitter. Criteria: Invitae Variant Classification Sherloc (09022015). Collection method: clinical testing. Allele origin: germline.
Comment: This sequence change replaces arginine, which is basic and polar, with glutamine, which is neutral and polar, at codon 179 of the CCDC78 protein (p.Arg179Gln). This variant is present in population databases (rs560987339, gnomAD 0.02%). This variant has not been reported in the literature in individuals affected with CCDC78-related conditions. ClinVar contains an entry for this variant (Variation ID: 540468). Invitae Evidence Modeling of protein sequence and biophysical properties (such as structural, functional, and spatial information, amino acid conservation, physicochemical variation, residue mobility, and thermodynamic stability) indicates that this missense variant is not expected to disrupt CCDC78 protein function with a negative predictive value of 80%. In summary, the available evidence is currently insufficient to determine the role of this variant in disease. Therefore, it has been classified as a Variant of Uncertain Significance.

Ambry Genetics
Classification: Likely benign for Inborn genetic diseases. Last evaluated: 2022-12-19. Review status: criteria provided, single submitter. Criteria: Ambry Variant Classification Scheme 2023. Collection method: clinical testing. Allele origin: germline.

NM_001378030.1(CCDC78):c.536G>A (p.Arg179Gln)

Gene: CCDC78 (coiled-coil domain containing 78; minus strand). Cytogenetic location: 16p13.3.
Variant type: single nucleotide variant.
Coding change: c.536G>A on transcript NM_001378030.1 (MANE Select); coding-DNA position 536, G replaced by A.
Protein change: p.Arg179Gln; replaces arginine 179 with glutamine.
Molecular consequence: missense variant. On other transcripts: synonymous variant (1), non-coding transcript variant (5).
Genome position (GRCh38, 1-based): chr16:725,102, C>T on the plus strand (G>A on the coding strand, the complement: CCDC78 is on the minus strand). VCF-style: chr16-725102-C-T. GRCh37 (hg19) VCF-style: chr16-775102-C-T.
Other names: c.536G>A, p.Arg179Gln (NM_001031737.3, NM_001378031.1); c.174G>A, p.Pro58= (NM_001378033.1); short protein forms R179Q.
Identifiers: ClinVar variation 540468 (VCV000540468.10), dbSNP rs560987339, ClinGen allele CA7789543.